The following is an entry in ClinVar:

NM_012470.4(TNPO3):c.1690+226T>C

Gene: TNPO3 (transportin 3; minus strand). Cytogenetic location: 7q32.1.
Variant type: single nucleotide variant.
Coding change: c.1690+226T>C on transcript NM_012470.4 (MANE Select); 226 bases into the intron after coding-DNA position 1690, T replaced by C.
Molecular consequence: intron variant.
Genome position (GRCh38, 1-based): chr7:128,986,503, A>G on the plus strand (T>C on the coding strand, the complement: TNPO3 is on the minus strand). VCF-style: chr7-128986503-A-G. GRCh37 (hg19) VCF-style: chr7-128626557-A-G.
Other names: c.1546+226T>C (NM_001382221.1); c.1543+226T>C (NM_001382222.1); c.1582+226T>C (NM_001382219.1); c.1499-2244T>C (NM_001382223.1, NM_001191028.3); c.1690+226T>C (NM_001382220.1, NM_001382218.1); c.1792+226T>C (NM_001382216.1); c.1771+226T>C (NM_001382217.1).
Identifiers: ClinVar variation 675471 (VCV000675471.1), dbSNP rs2290231, ClinGen allele CA12689791.

ClinVar aggregate classification (germline): Benign (1 of 4 stars; one submission).

Allele frequency attached by ClinVar (database versions not stated): TOPMed 0.03631; gnomAD 0.04255 and 0.04461; 1000 Genomes Project 30x 0.04794; 1000 Genomes Project 0.05012.
gnomAD v4.1: 6,770 of 152,296 alleles (4.4%); highest among the groups gnomAD compares: Middle Eastern, 10%; 206 homozygotes.

Submission:

GeneDx
Classification: Benign. Last evaluated: 2018-06-16. Review status: criteria provided, single submitter. Criteria: GeneDx Variant Classification (06012015). Collection method: clinical testing. Allele origin: germline. Affected: yes.
Comment: This variant is considered likely benign or benign based on one or more of the following criteria: it is a conservative change, it occurs at a poorly conserved position in the protein, it is predicted to be benign by multiple in silico algorithms, and/or has population frequency not consistent with disease.